The following is an entry in ClinVar:

NM_004380.3(CREBBP):c.5603G>A (p.Arg1868Gln)

Gene: CREBBP (CREB binding lysine acetyltransferase; minus strand). Cytogenetic location: 16p13.3.
Variant type: single nucleotide variant.
Coding change: c.5603G>A on transcript NM_004380.3 (MANE Select); coding-DNA position 5603, G replaced by A.
Protein change: p.Arg1868Gln; replaces arginine 1868 with glutamine.
Molecular consequence: missense variant.
Genome position (GRCh38, 1-based): chr16:3,729,444, C>T on the plus strand (G>A on the coding strand, the complement: CREBBP is on the minus strand). VCF-style: chr16-3729444-C-T. GRCh37 (hg19) VCF-style: chr16-3779445-C-T.
Other names: c.5489G>A, p.Arg1830Gln (NM_001079846.1); short protein forms R1868Q, R1830Q.
Identifiers: ClinVar variation 598959 (VCV000598959.39), dbSNP rs1567263168, ClinGen allele CA394555924.
Genomic context (GRCh38, chr16:3,729,444, plus strand): 5'-GCTGAGGTAGGAGAAGGCAGACTCTGCTGAGGCACGTTGCGGGTGTTCATGGTGGCCATC[C>T]GCCGGCGCATGAGCTGGGCCTGCTGCAGGCGGTGCTGGATCTGCTGCTGGCGGAGCTTGT-3'
Protein context (NP_004371.2, residues 1858-1878): RLQQAQLMRR[Arg1868Gln]MATMNTRNVP

ClinVar aggregate classification (germline): Pathogenic/Likely pathogenic. Review status: criteria provided, multiple submitters, no conflicts (2 of 4 stars). 7 submissions from 7 submitters: Pathogenic (5); Likely pathogenic (2). Last evaluated 2026-10-13.

Conditions:
Rubinstein-Taybi syndrome (RSTS). Identifiers: Orphanet 783, MedGen C0035934, MONDO:0019188.
Inborn genetic diseases. Identifiers: MedGen C0950123, MeSH D030342.
Autosomal dominant CREBBP-related disorders.

Allele frequency attached by ClinVar (database versions not stated): gnomAD exomes below 0.00001.
gnomAD v4.1: 1 of 1,613,976 alleles (0.000062%); highest among the groups gnomAD compares: Non-Finnish European, 0.000085%; no homozygotes.

Submissions (7):

GeneDx
Classification: Pathogenic. Last evaluated: 2026-10-13. Review status: criteria provided, single submitter. Criteria: GeneDx Variant Classification Process June 2021. Collection method: clinical testing. Allele origin: germline.
Comment: Reported as a de novo variant in an individual with autism, congenital heart defect, and dysmorphic features, but without features characteristic of RSTS, such as broad toes and thumbs (PMID: 29460469); Not observed at significant frequency in large population cohorts (gnomAD); In silico analysis supports that this missense variant has a deleterious effect on protein structure/function; This variant is associated with the following publications: (PMID: 30213827, 38553851, 30892814, 30755392, 27311832, 29460469)

Ambry Genetics
Classification: Pathogenic for Inborn genetic diseases. Last evaluated: 2025-10-07. Review status: criteria provided, single submitter. Criteria: Ambry Variant Classification Scheme 2023. Collection method: clinical testing. Allele origin: germline.
Comment: The c.5603G>A (p.R1868Q) alteration is located in exon 31 (coding exon 31) of the CREBBP gene. This alteration results from a G to A substitution at nucleotide position 5603, causing the arginine (R) at amino acid position 1868 to be replaced by a glutamine (Q). for Menke-Hennekam syndrome; however, its clinical significance for Rubinstein-Taybi syndrome is uncertain. This variant was not reported in population-based cohorts in the Genome Aggregation Database (gnomAD). This variant was reported in individuals with features consistent with Menke-Hennekam syndrome; in at least one individual, it was determined to be de novo (Menke, 2018; Ji, 2019). This amino acid position is highly conserved in available vertebrate species. This alteration is predicted to be deleterious by in silico analysis. Based on the available evidence, this alteration is classified as pathogenic.

Variantyx, Inc.
Classification: Likely pathogenic for Autosomal dominant CREBBP-related disorders. Last evaluated: 2025-09-09. Review status: criteria provided, single submitter. Criteria: Variantyx Assertion Criteria 2022. Collection method: clinical testing. Allele origin: de novo. Inheritance: Autosomal dominant inheritance. Affected: yes.
Comment: This is a nonsynonymous variant in the CREBBP gene (OMIM: 600140). Pathogenic variants in this gene have been associated with autosomal dominant CREBBP-related disorders. This variant lies within a known hotspot for pathogenic variants or a well-established critical functional domain of the CREBBP protein (PMID: 29460469) (PM1), and multiple computational algorithms predict a deleterious effect for this variant (REVEL score: 0.695) (PP3). This variant has a 0.0001% maximum allele frequency in non-founder control populations (PM2). Based on the current evidence, this variant is classified as likely pathogenic for autosomal dominant CREBBP-related disorders. Inheritance from an unaffected or mildly affected parent has been reported in the CREBBP gene, consistent with incomplete penetrance and/or variable expressivity (PMID: 20684013, 29460469).

CeGaT Center for Human Genetics Tuebingen
Classification: Pathogenic. Last evaluated: 2023-10-01. Review status: criteria provided, single submitter. Criteria: CeGaT Center For Human Genetics Tuebingen Variant Classification Criteria Version 2. Collection method: clinical testing. Allele origin: germline. Affected: yes. Observed: 1 variant allele.
Comment: CREBBP: PM2, PM5, PM6, PP2, PP3, PP4, PS4:Supporting

Labcorp Genetics (formerly Invitae), Labcorp
Classification: Pathogenic for Rubinstein-Taybi syndrome. Last evaluated: 2022-05-17. Review status: criteria provided, single submitter. Criteria: Invitae Variant Classification Sherloc (09022015). Collection method: clinical testing. Allele origin: germline.
Comment: This variant is not present in population databases (gnomAD no frequency). This missense change has been observed in individual(s) with clinical features of Menke-Hennekam syndrome (PMID: 29460469, 30755392). In at least one individual the variant was observed to be de novo. ClinVar contains an entry for this variant (Variation ID: 598959). This sequence change replaces arginine, which is basic and polar, with glutamine, which is neutral and polar, at codon 1868 of the CREBBP protein (p.Arg1868Gln). For these reasons, this variant has been classified as Pathogenic. Advanced modeling of protein sequence and biophysical properties (such as structural, functional, and spatial information, amino acid conservation, physicochemical variation, residue mobility, and thermodynamic stability) performed at Invitae indicates that this missense variant is expected to disrupt CREBBP protein function.

Center for Personalized Medicine, Children's Hospital Los Angeles
Classification: Likely pathogenic. Last evaluated: 2018-11-19. Review status: criteria provided, single submitter. Criteria: ACMG Guidelines, 2015. Collection method: clinical testing. Allele origin: germline. Affected: yes.

Laboratory of Molecular Genetics (Pr. Bezieau's lab), CHU de Nantes
Classification: Pathogenic. Last evaluated: 2018-11-09. Review status: criteria provided, single submitter. Criteria: ACMG Guidelines, 2015. Collection method: clinical testing. Allele origin: germline. Affected: yes.

Literature cited by the submitters: PubMed 29460469 (cited by 3 submitters); PubMed 30755392 (cited by 3 submitters); PubMed 20684013 (cited by Variantyx, Inc.).